The following is an entry in ClinVar:

NM_006000.3(TUBA4A):c.861G>A (p.Ser287=)

Gene: TUBA4A (tubulin alpha 4a; minus strand). Cytogenetic location: 2q35.
Variant type: single nucleotide variant.
Coding change: c.861G>A on transcript NM_006000.3 (MANE Select); coding-DNA position 861, G replaced by A.
Protein change: p.Ser287=; no amino-acid change (serine 287 retained).
Molecular consequence: synonymous variant.
Genome position (GRCh38, 1-based): chr2:219,250,838, C>T on the plus strand (G>A on the coding strand, the complement: TUBA4A is on the minus strand). VCF-style: chr2-219250838-C-T. GRCh37 (hg19) VCF-style: chr2-220115560-C-T.
Other names: c.816G>A, p.Ser272= (NM_001278552.2).
Identifiers: ClinVar variation 3048382 (VCV003048382.2), dbSNP rs750882247, ClinGen allele CA2122413.

ClinVar aggregate classification (germline): Likely benign (0 of 4 stars; one submission).

Conditions:
TUBA4A-related disorder. Also called: TUBA4A-related condition.

Allele frequency attached by ClinVar (database versions not stated): ExAC 0.00002; gnomAD 0.00002; TOPMed 0.00003.
gnomAD v4.1: 17 of 1,614,016 alleles (0.0011%); highest among the groups gnomAD compares: Middle Eastern, 0.016%; no homozygotes.

Submission:

PreventionGenetics, part of Exact Sciences
Classification: Likely benign for TUBA4A-related condition. Last evaluated: 2023-02-21. Review status: no assertion criteria provided. Collection method: clinical testing. Allele origin: germline.
Comment: This variant is classified as likely benign based on ACMG/AMP sequence variant interpretation guidelines (Richards et al. 2015 PMID: 25741868, with internal and published modifications).